The following is an entry in ClinVar:

ClinVar aggregate classification (germline): Likely pathogenic (3 of 4 stars; one submission).

Conditions:
Phenylketonuria (PKU). Also called: OLIGOPHRENIA PHENYLPYRUVICA; Phenylketonurias; FOLLING DISEASE; Phenylketonuria (PKU). Identifiers: Orphanet 716, MedGen C0031485, MONDO:0009861, OMIM 261600. Disease mechanism: loss of function.

Submission:

ClinGen PAH Variant Curation Expert Panel
Classification: Likely pathogenic for Phenylketonuria. Last evaluated: 2018-12-10. Review status: reviewed by expert panel. Criteria: ClinGen PAH ACMG Specifications v1. Collection method: curation. Allele origin: germline. Inheritance: Autosomal recessive inheritance.
Comment: The c.813T>G (p.His271Gln) variant in PAH has been reported in 3 individuals with PKU (BH4 deficiency excluded). (PP4_Moderate; PMID: 1829436, 18299955, 21307867). This variant is absent in population databases (PM2). This variant was detected with IVS10-11G>A, known pathogenic (PM3; PMID: 18299955). Computational evidence support a deleterious effect. In summary, this variant meets criteria to be classified as likely pathogenic for PAH. PAH-specific ACMG/AMP criteria applied: PP4_Moderate, PM2, PM3, PP3.

Literature cited by the submitters: PubMed 18294361; PubMed 21307867; PubMed 18299955.

NM_000277.3(PAH):c.813T>G (p.His271Gln)

Gene: PAH (phenylalanine hydroxylase; minus strand). Cytogenetic location: 12q23.2.
Variant type: single nucleotide variant.
Coding change: c.813T>G on transcript NM_000277.3 (MANE Select); coding-DNA position 813, T replaced by G.
Protein change: p.His271Gln; replaces histidine 271 with glutamine.
Molecular consequence: missense variant.
Genome position (GRCh38, 1-based): chr12:102,852,844, A>C on the plus strand (T>G on the coding strand, the complement: PAH is on the minus strand). VCF-style: chr12-102852844-A-C. GRCh37 (hg19) VCF-style: chr12-103246622-A-C.
Other names: c.813T>G, p.His271Gln (NM_001354304.2); short protein forms H271Q.
Identifiers: ClinVar variation 619152 (VCV000619152.2), dbSNP rs1565846764, ClinGen allele CA16020865.
Genomic context (GRCh38, chr12:102,852,844, plus strand): 5'-TGGCAACTGGTAGCTGGAGGACAGTACTCACGGTTCGGGGGTATACATGGGCTTGGATCC[A>C]TGTCTGATGTACTGTGTGCAGTGGAAGACTCGGAAGGCCAGGCCACCCAAGAAATCCCGA-3'
Protein context (NP_000268.1, residues 261-281): RVFHCTQYIR[His271Gln]GSKPMYTPEP